The following is an entry in ClinVar:

ClinVar aggregate classification (germline): Pathogenic. Review status: criteria provided, multiple submitters, no conflicts (2 of 4 stars). 2 submissions from 2 submitters: Pathogenic (2). Last evaluated 2024-04-06.

Conditions:
Spondyloepiphyseal dysplasia, Kimberley type. Identifiers: Orphanet 93283, MedGen C1842149, MONDO:0012019, OMIM 608361.
Short stature and advanced bone age, with or without early-onset osteoarthritis and/or osteochondritis dissecans (SSOAOD). Identifiers: Orphanet 251262, MedGen C3665488, MONDO:0100462, OMIM 165800.
Spondyloepimetaphyseal dysplasia, aggrecan type. Also called: SEMD, AGGRECAN TYPE. Identifiers: Orphanet 171866, MedGen C2748544, MONDO:0013014, OMIM 612813.

Submissions (2):

Fulgent Genetics
Classification: Pathogenic for Short stature and advanced bone age, with or without early-onset osteoarthritis and/or osteochondritis dissecans; Spondyloepiphyseal dysplasia, Kimberley type; Spondyloepimetaphyseal dysplasia, aggrecan type. Last evaluated: 2024-04-06. Review status: criteria provided, single submitter. Criteria: ACMG Guidelines, 2015. Collection method: clinical testing. Allele origin: germline.

Labcorp Genetics (formerly Invitae), Labcorp
Classification: Pathogenic. Last evaluated: 2020-08-01. Review status: criteria provided, single submitter. Criteria: Invitae Variant Classification Sherloc (09022015). Collection method: clinical testing. Allele origin: germline.
Comment: For these reasons, this variant has been classified as Pathogenic. Loss-of-function variants in ACAN are known to be pathogenic (PMID: 16080123, 24762113). Algorithms developed to predict the effect of sequence changes on RNA splicing suggest that this variant may create or strengthen a splice site, but this prediction has not been confirmed by published transcriptional studies. This variant has not been reported in the literature in individuals with ACAN-related conditions. This variant is not present in population databases (ExAC no frequency). This sequence change creates a premature translational stop signal (p.Glu367*) in the ACAN gene. It is expected to result in an absent or disrupted protein product.

Literature cited by the submitters: PubMed 16080123 (cited by Labcorp Genetics (formerly Invitae), Labcorp); PubMed 24762113 (cited by Labcorp Genetics (formerly Invitae), Labcorp).

NM_001369268.1(ACAN):c.1097dup (p.Gly366_Glu367insTer)

Gene: ACAN (aggrecan; plus strand). Cytogenetic location: 15q26.1.
Variant type: Duplication.
Coding change: c.1097dup on transcript NM_001369268.1 (MANE Select); coding-DNA position 1097, one base duplicated (G; older notation c.1097dupG).
Protein change: p.Gly366_Glu367insTer.
Molecular consequence: frameshift variant.
Genome position (GRCh38, 1-based): chr15:88,845,550, G duplicated; the last of 6 consecutive G bases (chr15:88,845,545-88,845,550); duplicating any one gives the same sequence. VCF-style (leftmost placement, unchanged base first): chr15-88845544-T-TG. GRCh37 (hg19) VCF-style: chr15-89388775-T-TG.
Other names: c.1097dup, p.Gly366_Glu367insTer (NM_001135.4, NM_013227.4).
Identifiers: ClinVar variation 1069109 (VCV001069109.8), dbSNP rs2141581633, ClinGen allele CA492061294.